The following is an entry in ClinVar:

NM_000465.4(BARD1):c.1606G>A (p.Asp536Asn)

Gene: BARD1 (BRCA1 associated RING domain 1; minus strand). Cytogenetic location: 2q35.
Variant type: single nucleotide variant.
Coding change: c.1606G>A on transcript NM_000465.4 (MANE Select); coding-DNA position 1606, G replaced by A.
Protein change: p.Asp536Asn; replaces aspartic acid 536 with asparagine.
Molecular consequence: missense variant. On other transcripts: non-coding transcript variant (3), intron variant (1).
Genome position (GRCh38, 1-based): chr2:214,752,518, C>T on the plus strand (G>A on the coding strand, the complement: BARD1 is on the minus strand). VCF-style: chr2-214752518-C-T. GRCh37 (hg19) VCF-style: chr2-215617242-C-T.
Other names: c.1549G>A, p.Asp517Asn (NM_001282543.2); c.253G>A, p.Asp85Asn (NM_001282545.2); c.196G>A, p.Asp66Asn (NM_001282548.2); c.365-22010G>A (NM_001282549.2); short protein forms D517N, D536N, D66N, D85N.
Identifiers: ClinVar variation 1387464 (VCV001387464.9), dbSNP rs866000739, ClinGen allele CA350454903.
Genomic context (GRCh38, chr2:214,752,518, plus strand): 5'-GGCTAGCTGAGGATGATTCATTCTTCTCTGGTAGCAGCAATAGCGATTTCATACTTTCAT[C>T]ATCTGTATAATCGACAGGCCGCAGACCAAATATATTACTGGTAAAATAAGTGCAGATGTG-3'
Protein context (NP_000456.2, residues 526-546): FGLRPVDYTD[Asp536Asn]ESMKSLLLLP

ClinVar aggregate classification (germline): Uncertain significance. Review status: criteria provided, multiple submitters, no conflicts (2 of 4 stars). 2 submissions from 2 submitters: Uncertain significance (2). Last evaluated 2022-01-30.

Conditions:
Hereditary cancer-predisposing syndrome. Also called: Neoplastic Syndromes, Hereditary; Tumor predisposition; Hereditary neoplastic syndrome; Hereditary Cancer Syndrome. Identifiers: Orphanet 140162, MedGen C0027672, MeSH D009386, MONDO:0015356.
Familial cancer of breast. Also called: BREAST CANCER, FAMILIAL; Hereditary breast cancer; hereditary breast carcinoma. Identifiers: Orphanet 227535, MedGen C0346153, MONDO:0016419, OMIM 114480. Disease mechanism: loss of function.

Submissions (2):

Ambry Genetics
Classification: Uncertain significance for Hereditary cancer-predisposing syndrome. Last evaluated: 2022-01-30. Review status: criteria provided, single submitter. Criteria: Ambry Variant Classification Scheme 2023. Collection method: clinical testing. Allele origin: germline.
Comment: The p.D536N variant (also known as c.1606G>A), located in coding exon 7 of the BARD1 gene, results from a G to A substitution at nucleotide position 1606. The aspartic acid at codon 536 is replaced by asparagine, an amino acid with highly similar properties. This amino acid position is conserved. In addition, this alteration is predicted to be tolerated by in silico analysis. Since supporting evidence is limited at this time, the clinical significance of this alteration remains unclear.

Labcorp Genetics (formerly Invitae), Labcorp
Classification: Uncertain significance for Familial cancer of breast. Last evaluated: 2021-10-18. Review status: criteria provided, single submitter. Criteria: Invitae Variant Classification Sherloc (09022015). Collection method: clinical testing. Allele origin: germline.
Comment: This variant has not been reported in the literature in individuals affected with BARD1-related conditions. This variant is not present in population databases (gnomAD no frequency). This sequence change replaces aspartic acid, which is acidic and polar, with asparagine, which is neutral and polar, at codon 536 of the BARD1 protein (p.Asp536Asn). Algorithms developed to predict the effect of missense changes on protein structure and function output the following: SIFT: "Tolerated"; PolyPhen-2: "Benign"; Align-GVGD: "Class C0". The asparagine amino acid residue is found in multiple mammalian species, which suggests that this missense change does not adversely affect protein function. In summary, the available evidence is currently insufficient to determine the role of this variant in disease. Therefore, it has been classified as a Variant of Uncertain Significance.